The following is an entry in ClinVar:

Single allele

Genes: MANCR (mitotically associated long non coding RNA; minus strand), MIR3155A (microRNA 3155a; plus strand), MIR3155B (microRNA 3155b; minus strand), MIR5699 (microRNA 5699; minus strand), MIR6072 (microRNA 6072; minus strand) and 310 more. Cytogenetic location: 10p15.3-14.
Variant type: Deletion.
Identifiers: ClinVar variation 4819222 (VCV004819222.1).

ClinVar aggregate classification (germline): Pathogenic (1 of 4 stars; one submission).

Conditions:
Intellectual developmental disorder, autosomal dominant 30, with speech delay and behavioral abnormalities. Also called: Intellectual disability, autosomal dominant 30. Identifiers: Orphanet 436151, MedGen C4015167, MONDO:0014486, OMIM 616083.

Submission:

Broad Center for Mendelian Genomics, Broad Institute of MIT and Harvard
Classification: Pathogenic for Intellectual developmental disorder, autosomal dominant 30, with speech delay and behavioral abnormalities. Last evaluated: 2023-05-01. Review status: criteria provided, single submitter. Criteria: ACMG/ClinGen CNV Guidelines, 2019. Collection method: research. Allele origin: germline. Inheritance: Autosomal dominant inheritance. Affected: yes.
Comment: These breakpoints have been called by exome sequencing only and therefore may not reflect the true breakpoints. The patient phenotype is nonspecific, but is consistent with cases described in the literature and/or published databases with overlapping variants. There is partial overlap with the 3’ end and additional exons (NMD is expected to occur) of the ZMYND11 gene, which is known to be haploinsufficient and has been assessed by the ClinGen Dosage Sensitivity Working Group. Data from large population studies are insufficient to assess the frequency of this variant. In summary, this variant meets criteria to be classified as pathogenic for autosomal dominant intellectual developmental disorder. The ACMG/ClinGen evidence codes and points used in this curation are as follows: 1: 0 points, 2: 0.9 points, 3: 0.45 points, 4-5: 0.15 points; Total: 1.5 points; Riggs 2020 (PMID: 31690835).